The following is an entry in ClinVar:

ClinVar aggregate classification (germline): Conflicting classifications of pathogenicity. Review status: criteria provided, conflicting classifications (1 of 4 stars). 5 submissions from 5 submitters: Uncertain significance (4); Likely benign (1). Last evaluated 2026-02-01.

Conditions:
Cardiovascular phenotype. Identifiers: MedGen CN230736.
Progressive familial heart block type IB (PFHB1B). Identifiers: Orphanet 871, MedGen C1970298, MONDO:0011474, OMIM 604559.
Erythrokeratodermia variabilis et progressiva 6. Identifiers: MedGen C5193144, MONDO:0032801, OMIM 618531.

Allele frequency attached by ClinVar (database versions not stated): gnomAD exomes 0.00004; TOPMed 0.00006; ExAC 0.00007; gnomAD 0.00007; 1000 Genomes Project 30x 0.00016; 1000 Genomes Project 0.00020.
gnomAD v4.1: 79 of 1,614,186 alleles (0.0049%); highest among the groups gnomAD compares: African/African-American, 0.028%; no homozygotes.

Submissions (5):

Labcorp Genetics (formerly Invitae), Labcorp
Classification: Uncertain significance for Progressive familial heart block type IB. Last evaluated: 2026-02-01. Review status: criteria provided, single submitter. Criteria: Invitae Variant Classification Sherloc (09022015). Collection method: clinical testing. Allele origin: germline.
Comment: This sequence change replaces arginine, which is basic and polar, with cysteine, which is neutral and slightly polar, at codon 706 of the TRPM4 protein (p.Arg706Cys). This variant is present in population databases (rs199552085, gnomAD 0.02%). This missense change has been observed in individual(s) with TRPM4-related conditions (PMID: 30391667). ClinVar contains an entry for this variant (Variation ID: 857532). An algorithm developed to predict the effect of missense changes on protein structure and function (PolyPhen-2) suggests that this variant is likely to be tolerated. In summary, the available evidence is currently insufficient to determine the role of this variant in disease. Therefore, it has been classified as a Variant of Uncertain Significance.

Ambry Genetics
Classification: Uncertain significance for Cardiovascular phenotype. Last evaluated: 2024-06-20. Review status: criteria provided, single submitter. Criteria: Ambry Variant Classification Scheme 2023. Collection method: clinical testing. Allele origin: germline.
Comment: The p.R706C variant (also known as c.2116C>T), located in coding exon 15 of the TRPM4 gene, results from a C to T substitution at nucleotide position 2116. The arginine at codon 706 is replaced by cysteine, an amino acid with highly dissimilar properties. This variant was reported in a sudden unexplained death case with limited clinical information provided and an additional cardiac variant detected (Subbotina E et al. Forensic Sci. Int., 2018 Dec;293:37-46). This amino acid position is poorly conserved in available vertebrate species. In addition, this alteration is predicted to be tolerated by in silico analysis. Based on the available evidence, the clinical significance of this variant remains unclear.

Blueprint Genetics
Classification: Likely benign. Last evaluated: 2024-03-21. Review status: criteria provided, single submitter. Criteria: ACMG Guidelines, 2015. Collection method: clinical testing. Allele origin: germline.

Fulgent Genetics
Classification: Uncertain significance for Progressive familial heart block type IB; Erythrokeratodermia variabilis et progressiva 6. Last evaluated: 2021-11-21. Review status: criteria provided, single submitter. Criteria: ACMG Guidelines, 2015. Collection method: clinical testing. Allele origin: unknown.

GeneDx
Classification: Uncertain significance. Last evaluated: 2021-04-27. Review status: criteria provided, single submitter. Criteria: GeneDx Variant Classification Process June 2021. Collection method: clinical testing. Allele origin: germline. Affected: yes.
Comment: Identified in a patient with sudden unexpected death (Subbotina et al., 2018); however, additional clinical information was not provided; Reported in ClinVar as a variant of uncertain significance (ClinVar Variant ID# 857532; Landrum et al., 2016); In silico analysis supports that this missense variant has a deleterious effect on protein structure/function; This variant is associated with the following publications: (PMID: 30391667)

Literature cited by the submitters: PubMed 30391667 (cited by Labcorp Genetics (formerly Invitae), Labcorp and Ambry Genetics).

NM_017636.4(TRPM4):c.2116C>T (p.Arg706Cys)

Gene: TRPM4 (transient receptor potential cation channel subfamily M member 4; plus strand). Cytogenetic location: 19q13.33.
Variant type: single nucleotide variant.
Coding change: c.2116C>T on transcript NM_017636.4 (MANE Select); coding-DNA position 2116, C replaced by T.
Protein change: p.Arg706Cys; replaces arginine 706 with cysteine.
Molecular consequence: missense variant.
Genome position (GRCh38, 1-based): chr19:49,190,304, C>T. VCF-style: chr19-49190304-C-T. GRCh37 (hg19) VCF-style: chr19-49693561-C-T.
Other names: c.2116C>T, p.Arg706Cys (NM_001195227.2); c.1771C>T, p.Arg591Cys (NM_001321281.2); c.508C>T, p.Arg170Cys (NM_001321282.2); c.1594C>T, p.Arg532Cys (NM_001321283.2); c.1054C>T, p.Arg352Cys (NM_001321285.2); short protein forms R352C, R532C, R706C, R170C, R591C.
Identifiers: ClinVar variation 857532 (VCV000857532.14), dbSNP rs199552085, ClinGen allele CA9569439.